The following is an entry in ClinVar:

NM_000368.5(TSC1):c.1907A>G (p.Glu636Gly)

Gene: TSC1 (TSC complex subunit 1; minus strand). Cytogenetic location: 9q34.13.
Variant type: single nucleotide variant.
Coding change: c.1907A>G on transcript NM_000368.5 (MANE Select); coding-DNA position 1907, A replaced by G.
Protein change: p.Glu636Gly; replaces glutamic acid 636 with glycine.
Molecular consequence: missense variant. On other transcripts: non-coding transcript variant (5).
Genome position (GRCh38, 1-based): chr9:132,905,671, T>C on the plus strand (A>G on the coding strand, the complement: TSC1 is on the minus strand). VCF-style: chr9-132905671-T-C. GRCh37 (hg19) VCF-style: chr9-135781058-T-C.
Other names: c.1904A>G, p.Glu635Gly (NM_001406599.1, NM_001406600.1, NM_001406603.1 and 6 more transcripts); c.1907A>G, p.Glu636Gly (NM_001406601.1, NM_001406602.1, NM_001406605.1 and 7 more transcripts); c.1544A>G, p.Glu515Gly (NM_001406618.1, NM_001406619.1, NM_001406624.1 and 5 more transcripts); c.1541A>G, p.Glu514Gly (NM_001406620.1, NM_001406621.1, NM_001406622.1 and 2 more transcripts); c.956A>G, p.Glu319Gly (NM_001406626.1); c.953A>G, p.Glu318Gly (NM_001406627.1, NM_001406628.1); c.1754A>G, p.Glu585Gly (NM_001162427.2, NM_001406610.1); c.1751A>G, p.Glu584Gly (NM_001406611.1, NM_001406612.1, NM_001406613.1); and 1 more; short protein forms E285G, E318G, E319G, E514G, E515G, E584G, E585G, E635G.
Identifiers: ClinVar variation 3624268 (VCV003624268.2).

ClinVar aggregate classification (germline): Uncertain significance (1 of 4 stars; one submission).

Conditions:
Tuberous sclerosis 1 (TSC1). Identifiers: Orphanet 805, MedGen C1854465, MONDO:0008612, OMIM 191100.

Submission:

Labcorp Genetics (formerly Invitae), Labcorp
Classification: Uncertain significance for Tuberous sclerosis 1. Last evaluated: 2024-06-04. Review status: criteria provided, single submitter. Criteria: Invitae Variant Classification Sherloc (09022015). Collection method: clinical testing. Allele origin: germline.
Comment: This sequence change replaces glutamic acid, which is acidic and polar, with glycine, which is neutral and non-polar, at codon 636 of the TSC1 protein (p.Glu636Gly). This variant is not present in population databases (gnomAD no frequency). This variant has not been reported in the literature in individuals affected with TSC1-related conditions. Advanced modeling of protein sequence and biophysical properties (such as structural, functional, and spatial information, amino acid conservation, physicochemical variation, residue mobility, and thermodynamic stability) performed at Invitae indicates that this missense variant is not expected to disrupt TSC1 protein function with a negative predictive value of 95%. In summary, the available evidence is currently insufficient to determine the role of this variant in disease. Therefore, it has been classified as a Variant of Uncertain Significance.